The following is an entry in ClinVar:

NM_000298.6(PKLR):c.1091dup (p.Lys365fs)

Gene: PKLR (pyruvate kinase L/R; minus strand). Cytogenetic location: 1q22.
Variant type: Duplication.
Coding change: c.1091dup on transcript NM_000298.6 (MANE Select); coding-DNA position 1091, one base duplicated (G; older notation c.1091dupG).
Protein change: p.Lys365fs; shifts the reading frame from lysine 365.
Molecular consequence: frameshift variant.
Genome position (GRCh38, 1-based): chr1:155,294,260, C duplicated on the plus strand (G on the coding strand, the reverse complement: PKLR is on the minus strand); the first of 3 consecutive C bases (chr1:155,294,260-155,294,262); duplicating any one gives the same sequence. VCF-style (leftmost placement, unchanged base first): chr1-155294259-G-GC. GRCh37 (hg19) VCF-style: chr1-155264050-G-GC.
Other names: c.998dup, p.Lys334fs (NM_181871.4); short protein forms K365fs, K334fs.
Identifiers: ClinVar variation 1369122 (VCV001369122.10), dbSNP rs1434008042, ClinGen allele CA889657484.

ClinVar aggregate classification (germline): Pathogenic. Review status: criteria provided, multiple submitters, no conflicts (2 of 4 stars). 2 submissions from 2 submitters: Pathogenic (2). Last evaluated 2024-02-21.

Submissions (2):

Revvity Omics, Revvity
Classification: Pathogenic. Last evaluated: 2024-02-21. Review status: criteria provided, single submitter. Criteria: ACMG Guidelines, 2015. Collection method: clinical testing. Allele origin: germline.

Labcorp Genetics (formerly Invitae), Labcorp
Classification: Pathogenic. Last evaluated: 2024-01-25. Review status: criteria provided, single submitter. Criteria: Invitae Variant Classification Sherloc (09022015). Collection method: clinical testing. Allele origin: germline.
Comment: This sequence change creates a premature translational stop signal (p.Lys365Glnfs*36) in the PKLR gene. It is expected to result in an absent or disrupted protein product. Loss-of-function variants in PKLR are known to be pathogenic (PMID: 15953013, 26832193). This variant is not present in population databases (gnomAD no frequency). This premature translational stop signal has been observed in individual(s) with pyruvate kinase deficiency (PMID: 7706479). This variant is also known as 1089G>GG. ClinVar contains an entry for this variant (Variation ID: 1369122). For these reasons, this variant has been classified as Pathogenic.

Literature cited by the submitters: PubMed 15953013 (cited by Labcorp Genetics (formerly Invitae), Labcorp); PubMed 26832193 (cited by Labcorp Genetics (formerly Invitae), Labcorp); PubMed 7706479 (cited by Labcorp Genetics (formerly Invitae), Labcorp).